The following is an entry in ClinVar:

ClinVar aggregate classification (germline): Likely benign. Review status: criteria provided, single submitter (1 of 4 stars). 2 submissions from 2 submitters: Likely benign (1). 1 of the submissions does not count toward it. Last evaluated 2020-08-29.

Conditions:
Aortic aneurysm, familial thoracic 4 (AAT4). Also called: AORTIC ANEURYSM/AORTIC DISSECTION AND PATENT DUCTUS ARTERIOSUS. Identifiers: MedGen C1851504, MONDO:0007568, OMIM 132900.
MYH11-related disorder. Also called: MYH11-related condition.

Allele frequency attached by ClinVar (database versions not stated): TOPMed below 0.00001; gnomAD 0.00001; gnomAD exomes 0.00001.
gnomAD v4.1: 11 of 1,605,986 alleles (0.00068%); highest among the groups gnomAD compares: Non-Finnish European, 0.00094%; no homozygotes.

Submissions (2):

Labcorp Genetics (formerly Invitae), Labcorp
Classification: Likely benign for Aortic aneurysm, familial thoracic 4. Last evaluated: 2020-08-29. Review status: criteria provided, single submitter. Criteria: Invitae Variant Classification Sherloc (09022015). Collection method: clinical testing. Allele origin: germline.

PreventionGenetics, part of Exact Sciences
Classification: Likely benign for MYH11-related condition. Last evaluated: 2023-08-07. Review status: no assertion criteria provided. Collection method: clinical testing. Allele origin: germline. Not counted in ClinVar's aggregate classification.
Comment: This variant is classified as likely benign based on ACMG/AMP sequence variant interpretation guidelines (Richards et al. 2015 PMID: 25741868, with internal and published modifications).

NM_002474.3(MYH11):c.3121+10C>T

Gene: MYH11 (myosin heavy chain 11; minus strand). Cytogenetic location: 16p13.11.
Variant type: single nucleotide variant.
Coding change: c.3121+10C>T on transcript NM_002474.3 (MANE Select); 10 bases into the intron after coding-DNA position 3121, C replaced by T.
Molecular consequence: intron variant.
Genome position (GRCh38, 1-based): chr16:15,738,555, G>A on the plus strand (C>T on the coding strand, the complement: MYH11 is on the minus strand). VCF-style: chr16-15738555-G-A. GRCh37 (hg19) VCF-style: chr16-15832412-G-A.
Other names: c.3121+10C>T (NM_022844.3); c.3142+10C>T (NM_001040114.2, NM_001040113.2, NM_001040113.1).
Identifiers: ClinVar variation 1154656 (VCV001154656.11), dbSNP rs1269119636, ClinGen allele CA718489431.
Genomic context (GRCh38, chr16:15,738,555, plus strand): 5'-AGAGCAAGACCTCATCTCTAAAAAAAATAATAAAATAAAATAAAAATAAATCTCTTGGTA[G>A]CTGGTTTACCTTCCAGTTCTGAAATCATAGATTCATGCTTGTTTTTCAGCTTGGTAAGAT-3'